The following is an entry in ClinVar:

NM_000410.4(HFE):c.427C>T (p.Gln143Ter)

Gene: HFE (homeostatic iron regulator; plus strand). Cytogenetic location: 6p22.2.
Variant type: single nucleotide variant.
Coding change: c.427C>T on transcript NM_000410.4 (MANE Select); coding-DNA position 427, C replaced by T.
Protein change: p.Gln143Ter; replaces glutamine 143 with a stop codon.
Molecular consequence: nonsense. On other transcripts: intron variant (4).
Genome position (GRCh38, 1-based): chr6:26,091,400, C>T. VCF-style: chr6-26091400-C-T. GRCh37 (hg19) VCF-style: chr6-26091628-C-T.
Other names: c.427C>T, p.Gln143Ter (NM_001300749.3, NM_001384164.1, NM_001406751.1 and 1 more transcripts); c.163C>T, p.Gln55Ter (NM_001406752.1, NM_139007.3, NM_139008.3); c.358C>T, p.Gln120Ter (NM_139009.3); c.340+296C>T (NM_139004.3, NM_139003.3); c.77-1285C>T (NM_139010.3); c.77-1719C>T (NM_139011.3); short protein forms Q120*, Q143*, Q55*.
Identifiers: ClinVar variation 5019739 (VCV005019739.2).

ClinVar aggregate classification (germline): Likely pathogenic (1 of 4 stars; one submission).

Conditions:
Hemochromatosis type 1 (HFE1). Also called: HFE-Related Hemochromatosis; HFE-Associated Hereditary Hemochromatosis. Identifiers: Orphanet 465508, MedGen C3469186, MONDO:0021001, OMIM 235200. Disease mechanism: loss of function.

Submission:

Juno Genomics, Hangzhou Juno Genomics, Inc
Classification: Likely pathogenic for Hemochromatosis type 1. Review status: criteria provided, single submitter. Criteria: ACMG Guidelines, 2015. Collection method: clinical testing. Allele origin: germline.
Comment: Absent from controls (or at extremely low frequency if recessive) in Genome Aggregation Database.;Null variant in a gene where loss of function (LOF) is a known mechanism of disease.